The following is an entry in ClinVar:

ClinVar aggregate classification (germline): Likely benign. Review status: criteria provided, multiple submitters, no conflicts (2 of 4 stars). 2 submissions from 2 submitters: Likely benign (2). Last evaluated 2026-02-03.

Allele frequency attached by ClinVar (database versions not stated): ExAC 0.00007; gnomAD 0.00007; gnomAD exomes 0.00009; TOPMed 0.00009; ESP Exome Variant Server 0.00015.

Submissions (2):

Labcorp Genetics (formerly Invitae), Labcorp
Classification: Likely benign. Last evaluated: 2026-02-03. Review status: criteria provided, single submitter. Criteria: Invitae Variant Classification Sherloc (09022015). Collection method: clinical testing. Allele origin: germline.

CeGaT Center for Human Genetics Tuebingen
Classification: Likely benign. Last evaluated: 2023-11-01. Review status: criteria provided, single submitter. Criteria: CeGaT Center For Human Genetics Tuebingen Variant Classification Criteria Version 2. Collection method: clinical testing. Allele origin: germline. Affected: yes. Observed: 1 variant allele.
Comment: TCF3: BP4, BP7

NM_003200.5(TCF3):c.1530G>A (p.Ala510=)

Gene: TCF3 (transcription factor 3; minus strand). Cytogenetic location: 19p13.3.
Variant type: single nucleotide variant.
Coding change: c.1530G>A on transcript NM_003200.5 (MANE Select); coding-DNA position 1530, G replaced by A.
Protein change: p.Ala510=; no amino-acid change (alanine 510 retained).
Molecular consequence: synonymous variant.
Genome position (GRCh38, 1-based): chr19:1,615,742, C>T on the plus strand (G>A on the coding strand, the complement: TCF3 is on the minus strand). VCF-style: chr19-1615742-C-T. GRCh37 (hg19) VCF-style: chr19-1615741-C-T.
Other names: c.1530G>A, p.Ala510= (NM_001136139.4, NM_001351779.2); c.1527G>A, p.Ala509= (NM_001351778.2).
Identifiers: ClinVar variation 1141726 (VCV001141726.31), dbSNP rs142947854, ClinGen allele CA9049779.